The following is an entry in ClinVar:

NM_024854.5(PYROXD1):c.625A>G (p.Lys209Glu)

Gene: PYROXD1 (pyridine nucleotide-disulphide oxidoreductase domain 1; plus strand). Cytogenetic location: 12p12.1.
Variant type: single nucleotide variant.
Coding change: c.625A>G on transcript NM_024854.5 (MANE Select); coding-DNA position 625, A replaced by G.
Protein change: p.Lys209Glu; replaces lysine 209 with glutamic acid.
Molecular consequence: missense variant. On other transcripts: 5 prime UTR variant (1).
Genome position (GRCh38, 1-based): chr12:21,455,268, A>G. VCF-style: chr12-21455268-A-G. GRCh37 (hg19) VCF-style: chr12-21608202-A-G.
Other names: c.625A>G (NM_024854.3); c.412A>G, p.Lys138Glu (NM_001350912.2); c.-153A>G (NM_001350913.2); short protein forms K209E, K138E.
Identifiers: ClinVar variation 1952633 (VCV001952633.6), dbSNP rs746579876, ClinGen allele CA6478268.

ClinVar aggregate classification (germline): Uncertain significance. Review status: criteria provided, multiple submitters, no conflicts (2 of 4 stars). 2 submissions from 2 submitters: Uncertain significance (2). Last evaluated 2025-08-08.

Conditions:
Inborn genetic diseases. Identifiers: MedGen C0950123, MeSH D030342.

Allele frequency attached by ClinVar (database versions not stated): ExAC 0.00001; gnomAD exomes 0.00001.

Submissions (2):

Ambry Genetics
Classification: Uncertain significance for Inborn genetic diseases. Last evaluated: 2025-08-08. Review status: criteria provided, single submitter. Criteria: Ambry Variant Classification Scheme 2023. Collection method: clinical testing. Allele origin: germline.

Labcorp Genetics (formerly Invitae), Labcorp
Classification: Uncertain significance. Last evaluated: 2022-02-19. Review status: criteria provided, single submitter. Criteria: Invitae Variant Classification Sherloc (09022015). Collection method: clinical testing. Allele origin: germline.
Comment: This sequence change replaces lysine, which is basic and polar, with glutamic acid, which is acidic and polar, at codon 209 of the PYROXD1 protein (p.Lys209Glu). This variant is present in population databases (rs746579876, gnomAD 0.004%). In summary, the available evidence is currently insufficient to determine the role of this variant in disease. Therefore, it has been classified as a Variant of Uncertain Significance. Algorithms developed to predict the effect of missense changes on protein structure and function are either unavailable or do not agree on the potential impact of this missense change (SIFT: "Tolerated"; PolyPhen-2: "Possibly Damaging"; Align-GVGD: "Class C0"). This variant has not been reported in the literature in individuals affected with PYROXD1-related conditions.